The following is an entry in ClinVar:

ClinVar aggregate classification (germline): Conflicting classifications of pathogenicity. Review status: criteria provided, conflicting classifications (1 of 4 stars). 2 submissions from 2 submitters: Likely pathogenic (1); Uncertain significance (1). Last evaluated 2025-08-05.

Conditions:
Intellectual developmental disorder, autosomal recessive 1. Also called: Intellectual disability, autosomal recessive 1; MENTAL RETARDATION, AUTOSOMAL RECESSIVE 1. Identifiers: Orphanet 88616, MedGen C1855304, MONDO:0009580, OMIM 249500.

Allele frequency attached by ClinVar (database versions not stated): gnomAD 0.00004 and 0.00003; TOPMed 0.00004; ExAC 0.00003; 1000 Genomes Project 30x 0.00047; gnomAD exomes 0.00002; 1000 Genomes Project 0.00040.
gnomAD v4.1: 43 of 1,614,024 alleles (0.0027%); highest among the groups gnomAD compares: African/African-American, 0.023%; no homozygotes.

Submissions (2):

First Genomix Gene Laboratory, Genetic Diagnostics Department
Classification: Likely pathogenic for Intellectual developmental disorder, autosomal recessive 1. Last evaluated: 2025-08-05. Review status: criteria provided, single submitter. Criteria: ACMG Guidelines, 2015. Collection method: clinical testing. Allele origin: germline. Inheritance: Autosomal recessive inheritance. Affected: no. Observed: 1 variant allele.

Revvity Omics, Revvity
Classification: Uncertain significance for Intellectual developmental disorder, autosomal recessive 1. Last evaluated: 2021-09-13. Review status: criteria provided, single submitter. Criteria: ACMG Guidelines, 2015. Collection method: clinical testing. Allele origin: germline.

NM_003619.4(PRSS12):c.1837+1G>A

Gene: PRSS12 (serine protease 12; minus strand). Cytogenetic location: 4q26.
Variant type: single nucleotide variant.
Coding change: c.1837+1G>A on transcript NM_003619.4 (MANE Select); the canonical splice donor site of the intron after coding-DNA position 1837, G replaced by A.
Molecular consequence: splice donor variant.
Genome position (GRCh38, 1-based): chr4:118,298,732, C>T on the plus strand (G>A on the coding strand, the complement: PRSS12 is on the minus strand). VCF-style: chr4-118298732-C-T. GRCh37 (hg19) VCF-style: chr4-119219887-C-T.
Identifiers: ClinVar variation 632427 (VCV000632427.7), dbSNP rs201470712, ClinGen allele CA3055540.